The following is an entry in ClinVar:

ClinVar aggregate classification (germline): Likely benign. Review status: criteria provided, multiple submitters, no conflicts (2 of 4 stars). 5 submissions from 5 submitters: Likely benign (5). Last evaluated 2025-11-19.

Conditions:
Familial thoracic aortic aneurysm and aortic dissection (TAAD). Also called: Thoracic aortic aneurysms and dissections. Identifiers: Orphanet 91387, MedGen C4707243, MONDO:0019625.
Loeys-Dietz syndrome 2 (LDS2). Also called: TGFBR2-Related Loeys-Dietz Syndrome; Marfan Syndrome type 2; Marfan like connective tissue disorder; MFS 2; AORTIC ANEURYSM, FAMILIAL THORACIC 3; MARFAN SYNDROME, TYPE II. Identifiers: Orphanet 284973, Orphanet 558, MedGen C2674574, MONDO:0012427, OMIM 610168.

Allele frequency attached by ClinVar (database versions not stated): gnomAD exomes 0.00002 and 0.00006; ExAC 0.00005; 1000 Genomes Project 0.00020; 1000 Genomes Project 30x 0.00031.
gnomAD v4.1: 25 of 1,614,208 alleles (0.0015%); highest among the groups gnomAD compares: Admixed American, 0.027%; no homozygotes.

Submissions (5):

Labcorp Genetics (formerly Invitae), Labcorp
Classification: Likely benign for Familial thoracic aortic aneurysm and aortic dissection. Last evaluated: 2025-11-19. Review status: criteria provided, single submitter. Criteria: Invitae Variant Classification Sherloc (09022015). Collection method: clinical testing. Allele origin: germline.

All of Us Research Program, National Institutes of Health
Classification: Likely benign for Loeys-Dietz syndrome 2. Last evaluated: 2023-12-18. Review status: criteria provided, single submitter. Criteria: ACMG Guidelines, 2015. Collection method: clinical testing. Allele origin: germline. Inheritance: Autosomal dominant inheritance. Observed: 4 variant alleles, 4 heterozygotes.
Comment: This variant is located in the TGFBR2 protein. To our knowledge, functional studies have not been reported for this variant. This variant has not been reported in individuals affected with TGFBR2-related disorders in the literature. This variant has been identified in 16/251216 chromosomes in the general population by the Genome Aggregation Database (gnomAD). The available evidence is insufficient to determine the role of this variant in disease conclusively. Therefore, this variant is classified as a Variant of Uncertain Significance.

This study involves interpretation of variants in research participants for the purpose of population health screening. Participant phenotype was not available at the time of variant classification. Additional details can be found in publication PMID: 35346344, PMCID: PMC8962531

Color Diagnostics, LLC DBA Color Health
Classification: Likely benign for Familial thoracic aortic aneurysm and aortic dissection. Last evaluated: 2023-11-22. Review status: criteria provided, single submitter. Criteria: ACMG Guidelines, 2015. Collection method: clinical testing. Allele origin: germline.

Ambry Genetics
Classification: Likely benign for Familial thoracic aortic aneurysm and aortic dissection. Last evaluated: 2023-02-14. Review status: criteria provided, single submitter. Criteria: Ambry Variant Classification Scheme 2023. Collection method: clinical testing. Allele origin: germline.

CeGaT Center for Human Genetics Tuebingen
Classification: Likely benign. Last evaluated: 2021-08-01. Review status: criteria provided, single submitter. Criteria: CeGaT Center For Human Genetics Tuebingen Variant Classification Criteria Version 2. Collection method: clinical testing. Allele origin: germline. Affected: yes. Observed: 1 variant allele.

NM_003242.6(TGFBR2):c.570C>T (p.Arg190=)

Gene: TGFBR2 (transforming growth factor beta receptor 2; plus strand). Cytogenetic location: 3p24.1.
Variant type: single nucleotide variant.
Coding change: c.570C>T on transcript NM_003242.6 (MANE Select); coding-DNA position 570, C replaced by T.
Protein change: p.Arg190=; no amino-acid change (arginine 190 retained).
Molecular consequence: synonymous variant. On other transcripts: intron variant (1).
Genome position (GRCh38, 1-based): chr3:30,671,753, C>T. VCF-style: chr3-30671753-C-T. GRCh37 (hg19) VCF-style: chr3-30713245-C-T.
Other names: c.465C>T, p.Arg155= (NM_001407135.1, NM_001407136.1, NM_001407132.1 and 2 more transcripts); c.285C>T, p.Arg95= (NM_001407137.1); c.210C>T, p.Arg70= (NM_001407138.1); c.530-16634C>T (NM_001407139.1); c.645C>T, p.Arg215= (NM_001024847.3); c.753C>T, p.Arg251= (NM_001407126.1); c.678C>T, p.Arg226= (NM_001407127.1); c.597C>T, p.Arg199= (NM_001407128.1); and 2 more.
Identifiers: ClinVar variation 1298909 (VCV001298909.45), dbSNP rs143775631, ClinGen allele CA049309.